The following is an entry in ClinVar:

NM_005732.4(RAD50):c.571A>G (p.Thr191Ala)

Gene: RAD50 (RAD50 double strand break repair protein; plus strand). Cytogenetic location: 5q31.1.
Variant type: single nucleotide variant.
Coding change: c.571A>G on transcript NM_005732.4 (MANE Select); coding-DNA position 571, A replaced by G.
Protein change: p.Thr191Ala; replaces threonine 191 with alanine.
Molecular consequence: missense variant.
Genome position (GRCh38, 1-based): chr5:132,579,881, A>G. VCF-style: chr5-132579881-A-G. GRCh37 (hg19) VCF-style: chr5-131915573-A-G.
Other names: short protein forms T191A.
Identifiers: ClinVar variation 3786301 (VCV003786301.1).
Genomic context (GRCh38, chr5:132,579,881, plus strand): 5'-TACTTTGCCAGAAATTTGATTTTTGTTTCATATCTTCAAAGATACATTAAAGCCTTAGAA[A>G]CACTTCGGCAGGTACGTCAGACACAAGGTCAGAAAGTAAAAGAATATCAAATGGAACTAA-3'
Protein context (NP_005723.2, residues 181-201): SATRYIKALE[Thr191Ala]LRQVRQTQGQ

ClinVar aggregate classification (germline): Uncertain significance (1 of 4 stars; one submission).

Conditions:
Hereditary cancer-predisposing syndrome. Also called: Neoplastic Syndromes, Hereditary; Hereditary Cancer Syndrome; Tumor predisposition; Hereditary neoplastic syndrome. Identifiers: Orphanet 140162, MedGen C0027672, MeSH D009386, MONDO:0015356.

Submission:

Ambry Genetics
Classification: Uncertain significance for Hereditary cancer-predisposing syndrome. Last evaluated: 2025-01-25. Review status: criteria provided, single submitter. Criteria: Ambry Variant Classification Scheme 2023. Collection method: clinical testing. Allele origin: germline.
Comment: The p.T191A variant (also known as c.571A>G), located in coding exon 5 of the RAD50 gene, results from an A to G substitution at nucleotide position 571. The threonine at codon 191 is replaced by alanine, an amino acid with similar properties. This amino acid position is conserved. In addition, this alteration is predicted to be tolerated by in silico analysis. Based on the available evidence, the clinical significance of this variant remains unclear.